The following is an entry in ClinVar:

NM_004750.5(CRLF1):c.1024+2_1024+5dup

Gene: CRLF1 (cytokine receptor like factor 1; minus strand). Cytogenetic location: 19p13.11.
Variant type: Duplication.
Coding change: c.1024+2_1024+5dup on transcript NM_004750.5 (MANE Select); the canonical splice donor site of the intron after coding-DNA position 1024 through 5 bases into the intron after coding-DNA position 1024, 4 bases duplicated (TGAG; older notation c.1024+2_1024+5dupTGAG).
Molecular consequence: splice donor variant.
Genome position (GRCh38, 1-based): chr19:18,596,617-18,596,620, CTCA duplicated on the plus strand (TGAG on the coding strand, the reverse complement: CRLF1 is on the minus strand); duplicating any 4 consecutive bases within chr19:18,596,617-18,596,621 gives the same sequence; the c. name uses the placement nearest the transcript's 3' end. VCF-style (leftmost placement, unchanged base first): chr19-18596616-G-GCTCA. GRCh37 (hg19) VCF-style: chr19-18707426-G-GCTCA.
Identifiers: ClinVar variation 1723313 (VCV001723313.1), dbSNP rs777524208, ClinGen allele CA9314032.
Genomic context (GRCh38, chr19:18,596,616, plus strand): 5'-GGAAACAGAGGCTCTAGCTGGTTTCGGACTGGCCGCTGGATCACCCAGCCCTAGGAGGGT[G>GCTCA]CTCACCACTGCGGGGAGTGGAGGCGGCTGTGGGGTGGCTCCACTCACTCCAGATCCCGGC-3'

ClinVar aggregate classification (germline): Uncertain significance (1 of 4 stars; one submission).

Submission:

Women's Health and Genetics/Laboratory Corporation of America, LabCorp
Classification: Uncertain significance. Last evaluated: 2022-10-13. Review status: criteria provided, single submitter. Criteria: LabCorp Variant Classification Summary - May 2015. Collection method: clinical testing. Allele origin: germline.
Comment: Variant summary: CRLF1 c.1024+2_1024+5dupTGAG is located in a canonical splice-site, however, it is not predicted to significantly affect mRNA splicing . 4/4 computational tools predict no significant impact on normal splicing. However, these predictions have yet to be confirmed by functional studies. The variant allele was found at a frequency of 8e-06 in 249386 control chromosomes. The available data on variant occurrences in the general population are insufficient to allow any conclusion about variant significance. To our knowledge, no occurrence of c.1024+2_1024+5dupTGAG in individuals affected with Cold-Induced Sweating Syndrome and no experimental evidence demonstrating its impact on protein function have been reported. No clinical diagnostic laboratories have submitted clinical-significance assessments for this variant to ClinVar after 2014. Based on the evidence outlined above, the variant was classified as uncertain significance.